The following is an entry in ClinVar:

ClinVar aggregate classification (germline): Benign. Review status: criteria provided, multiple submitters, no conflicts (2 of 4 stars). 4 submissions from 4 submitters: Benign (4). Last evaluated 2026-02-01.

Allele frequency attached by ClinVar (database versions not stated): ESP Exome Variant Server 0.00715; gnomAD exomes 0.02844; gnomAD 0.03283 and 0.02491; 1000 Genomes Project 0.11522; 1000 Genomes Project 30x 0.10899; TOPMed 0.03760; ExAC 0.06237.
gnomAD v4.1: 47,080 of 1,612,366 alleles (2.9%); highest among the groups gnomAD compares: East Asian, 26%; 3,653 homozygotes.

Submissions (4):

Labcorp Genetics (formerly Invitae), Labcorp
Classification: Benign. Last evaluated: 2026-02-01. Review status: criteria provided, single submitter. Criteria: Invitae Variant Classification Sherloc (09022015). Collection method: clinical testing. Allele origin: germline.

Unidad de Genómica Garrahan, Hospital de Pediatría Garrahan
Classification: Benign. Last evaluated: 2024-07-15. Review status: criteria provided, single submitter. Criteria: ACMG Guidelines, 2015. Collection method: clinical testing. Allele origin: germline. Affected: no. Observed: 28 variant alleles.
Comment: This variant is classified as Benign based on local population frequency. This variant was detected in 30% of patients studied in a panel designed for Epileptic and Developmental Encephalopathy and Progressive Myoclonus Epilepsy. Number of patients: 28. Only high quality variants are reported.

GeneDx
Classification: Benign. Last evaluated: 2021-06-09. Review status: criteria provided, single submitter. Criteria: GeneDx Variant Classification Process June 2021. Collection method: clinical testing. Allele origin: germline. Affected: yes.

Breakthrough Genomics
Classification: Benign. Review status: criteria provided, single submitter. Criteria: ACMG Guidelines, 2015. Collection method: not provided. Allele origin: germline. Inheritance: Autosomal recessive inheritance. Affected: yes.

NM_001142416.2(AIMP1):c.235C>G (p.Pro79Ala)

Gene: AIMP1 (aminoacyl tRNA synthetase complex interacting multifunctional protein 1; plus strand). Cytogenetic location: 4q24.
Variant type: single nucleotide variant.
Coding change: c.235C>G on transcript NM_001142416.2 (MANE Select); coding-DNA position 235, C replaced by G.
Protein change: p.Pro79Ala; replaces proline 79 with alanine.
Molecular consequence: missense variant.
Genome position (GRCh38, 1-based): chr4:106,328,087, C>G. VCF-style: chr4-106328087-C-G. GRCh37 (hg19) VCF-style: chr4-107249244-C-G.
Other names: c.235C>G, p.Pro79Ala (NM_001142415.2, NM_004757.4); short protein forms P79A.
Identifiers: ClinVar variation 1166295 (VCV001166295.12), dbSNP rs1134648, ClinGen allele CA3035657.
Genomic context (GRCh38, chr4:106,328,087, plus strand): 5'-CATATTTATTGGTTTAATATGAATGACATTATTTCATTTTCTGTCTCAGTGAAGCAAATA[C>G]CATTTCCATCTGGTACTCCACTGCACGCTAATTCTATGGTTTCTGAAAATGTGATACAGT-3'
Protein context (NP_001135888.2, residues 69-89): AEIQNGVKQI[Pro79Ala]FPSGTPLHAN